The following is an entry in ClinVar:

ClinVar aggregate classification (germline): Uncertain significance (1 of 4 stars; one submission).

Conditions:
Autosomal recessive spinocerebellar ataxia 12. Also called: SPINOCEREBELLAR ATAXIA WITH MENTAL RETARDATION AND EPILEPSY. Identifiers: Orphanet 284282, MedGen C3280452, MONDO:0013687, OMIM 614322.
Developmental and epileptic encephalopathy, 1 (DEE1). Also called: INFANTILE SPASM SYNDROME, X-LINKED 1; X-linked infantile spasms; West's syndrome; Tonic spasms with clustering, arrest of psychomotor development and hypsarrhythmia on EEG; X-Linked Infantile Spasm Syndrome; OHTAHARA SYNDROME, X-LINKED. Identifiers: MedGen C3463992, MONDO:0010632, OMIM 308350. Disease mechanism: loss of function.

Submission:

Labcorp Genetics (formerly Invitae), Labcorp
Classification: Uncertain significance for Developmental and epileptic encephalopathy, 1; Autosomal recessive spinocerebellar ataxia 12. Last evaluated: 2023-08-17. Review status: criteria provided, single submitter. Criteria: Invitae Variant Classification Sherloc (09022015). Collection method: clinical testing. Allele origin: unknown.
Comment: This variant results in a copy number gain of the genomic region encompassing exon(s) 1-5 of the WWOX gene. This region includes the initiator codon of the gene. This copy number gain extends beyond the assayed region for this gene and therefore may encompass additional genes. As the precise location of this event is unknown, it may be in tandem or it may be located elsewhere in the genome. This variant has not been reported in the literature in individuals affected with WWOX-related conditions. Experimental studies and prediction algorithms are not available or were not evaluated, and the functional significance of this variant is currently unknown. In summary, the available evidence is currently insufficient to determine the role of this variant in disease. Therefore, it has been classified as a Variant of Uncertain Significance.

NC_000016.9:g.(?_78133656)_(78198206_?)dup

Genes: WWOX (WW domain containing oxidoreductase; plus strand), LOC132090428 (Neanderthal introgressed variant-containing enhancer experimental_45974; plus strand), LOC132090429 (Neanderthal introgressed variant-containing enhancer experimental_45980; plus strand). Cytogenetic location: 16q23.1.
Variant type: Duplication.
Identifiers: ClinVar variation 3243519 (VCV003243519.1).